The following is an entry in ClinVar:

ClinVar aggregate classification (germline): Uncertain significance. Review status: criteria provided, multiple submitters, no conflicts (2 of 4 stars). 2 submissions from 2 submitters: Uncertain significance (2). Last evaluated 2024-12-12.

Conditions:
F5-related disorder. Also called: F5-related condition.
Inborn genetic diseases. Identifiers: MedGen C0950123, MeSH D030342.

Submissions (2):

PreventionGenetics, part of Exact Sciences
Classification: Uncertain significance for F5-related condition. Last evaluated: 2024-12-12. Review status: criteria provided, single submitter. Criteria: ACMG Guidelines, 2015. Collection method: clinical testing. Allele origin: germline.
Comment: The F5 c.5733G>C variant is predicted to result in the amino acid substitution p.Met1911Ile. To our knowledge, this variant has not been reported in the literature. This variant is reported in 0.0054% of alleles in individuals of East Asian descent in gnomAD. At this time, the clinical significance of this variant is uncertain due to the absence of conclusive functional and genetic evidence.

Ambry Genetics
Classification: Uncertain significance for Inborn genetic diseases. Last evaluated: 2024-06-07. Review status: criteria provided, single submitter. Criteria: Ambry Variant Classification Scheme 2023. Collection method: clinical testing. Allele origin: germline.

NM_000130.5(F5):c.5733G>C (p.Met1911Ile)

Gene: F5 (coagulation factor V; minus strand). Cytogenetic location: 1q24.2.
Variant type: single nucleotide variant.
Coding change: c.5733G>C on transcript NM_000130.5 (MANE Select); coding-DNA position 5733, G replaced by C.
Protein change: p.Met1911Ile; replaces methionine 1911 with isoleucine.
Molecular consequence: missense variant.
Genome position (GRCh38, 1-based): chr1:169,524,892, C>G on the plus strand (G>C on the coding strand, the complement: F5 is on the minus strand). VCF-style: chr1-169524892-C-G. GRCh37 (hg19) VCF-style: chr1-169494130-C-G.
Other names: short protein forms M1911I.
Identifiers: ClinVar variation 3276975 (VCV003276975.2).